The following is an entry in ClinVar:

ClinVar aggregate classification (germline): Pathogenic (1 of 4 stars; one submission).

Conditions:
Leber congenital amaurosis 7 (LCA7). Identifiers: Orphanet 65, MedGen C3151192, MONDO:0013449, OMIM 613829.
Cone-rod dystrophy 2 (CORD2). Also called: CONE-ROD RETINAL DYSTROPHY; Cone-rod retinal dystrophy 2. Identifiers: Orphanet 1872, MedGen C3489532, MONDO:0007362, OMIM 120970.

Submission:

Labcorp Genetics (formerly Invitae), Labcorp
Classification: Pathogenic for Cone-rod dystrophy 2; Leber congenital amaurosis 7. Last evaluated: 2023-07-21. Review status: criteria provided, single submitter. Criteria: Invitae Variant Classification Sherloc (09022015). Collection method: clinical testing. Allele origin: germline.
Comment: This sequence change affects a donor splice site in intron 2 of the CRX gene. It is expected to disrupt RNA splicing. Variants that disrupt the donor or acceptor splice site typically lead to a loss of protein function (PMID: 16199547), and loss-of-function variants in CRX are known to be pathogenic (PMID: 27208204, 31626798, 35934205). This variant is not present in population databases (gnomAD no frequency). Disruption of this splice site has been observed in individuals with clinical features of CRX-related conditions (PMID: 30945053, 32531858). ClinVar contains an entry for this variant (Variation ID: 2092800). Algorithms developed to predict the effect of sequence changes on RNA splicing suggest that this variant may disrupt the consensus splice site. For these reasons, this variant has been classified as Pathogenic.

Literature cited by the submitters: PubMed 16199547; PubMed 27208204; PubMed 31626798; PubMed 35934205; PubMed 30945053; PubMed 32531858.

NM_000554.6(CRX):c.100+2T>G

Gene: CRX (cone-rod homeobox; plus strand). Cytogenetic location: 19q13.33.
Variant type: single nucleotide variant.
Coding change: c.100+2T>G on transcript NM_000554.6 (MANE Select); the canonical splice donor site of the intron after coding-DNA position 100, T replaced by G.
Molecular consequence: splice donor variant.
Genome position (GRCh38, 1-based): chr19:47,834,545, T>G. VCF-style: chr19-47834545-T-G. GRCh37 (hg19) VCF-style: chr19-48337802-T-G.
Identifiers: ClinVar variation 2092800 (VCV002092800.4), dbSNP rs281865198, ClinGen allele CA406629183.